The following is an entry in ClinVar:

ClinVar aggregate classification (germline): Uncertain significance. Review status: criteria provided, multiple submitters, no conflicts (2 of 4 stars). 3 submissions from 3 submitters: Uncertain significance (3). Last evaluated 2026-06-04.

Conditions:
Early onset severe obesity. Identifiers: MedGen C4013980.
PCSK1-related disorder. Also called: PCSK1-related condition.

Allele frequency attached by ClinVar (database versions not stated): gnomAD exomes 0.00005; ExAC 0.00010; 1000 Genomes Project 30x 0.00016; 1000 Genomes Project 0.00020; ESP Exome Variant Server 0.00038; TOPMed 0.00039; gnomAD 0.00046.
gnomAD v4.1: 141 of 1,613,608 alleles (0.0087%); highest among the groups gnomAD compares: African/African-American, 0.12%; no homozygotes.

Submissions (3):

PreventionGenetics, part of Exact Sciences
Classification: Uncertain significance for PCSK1-related condition. Last evaluated: 2026-06-04. Review status: criteria provided, single submitter. Criteria: ACMG Guidelines, 2015. Collection method: clinical testing. Allele origin: germline.
Comment: The PCSK1 c.910G>A variant is predicted to result in the amino acid substitution p.Val304Ile. This variant has been reported in multiple individuals with obesity and in vitro functional studies showed suggestive evidence of loss of function (Folon et al 2023. PubMed ID: 36822744; Supplemental Data Set, Shah et al 2023. PubMed ID: 36864747). This variant is reported in 0.12% of alleles in individuals of African descent in gnomAD. At this time, the clinical significance of this variant is uncertain due to the absence of conclusive functional and genetic evidence.

Cambridge Genomics Laboratory, East Genomic Laboratory Hub, NHS Genomic Medicine Service
Classification: Uncertain significance for Severe early-onset obesity. Last evaluated: 2024-07-25. Review status: criteria provided, single submitter. Criteria: ACGS Best Practice Guidelines for Variant Classification in Rare Disease 2020. Collection method: clinical testing. Allele origin: germline. Affected: yes.
Comment: , which is greater than expected for the disorder. (BS1 - Strong) | The gene PCSK1 has a low rate of benign missense variation as indicated by a high missense variants Z-Score of 2.09. The gene PCSK1 contains 6 pathogenic missense variants, indicating that missense variants are a common mechanism of disease in this gene. (PP2 - Supporting) | There are no benign variants within 3 amino acid positions of the variant p.Val304Ile. (PM1 - Moderate) | Functional studies demonstrate that this variant has a damaging effect on the gene or gene product (PS3_Moderate - Moderate) | The patient's phenotype or family history is highly specific for a disease with a single genetic etiology. (PP4 - Supporting)

Labcorp Genetics (formerly Invitae), Labcorp
Classification: Uncertain significance. Last evaluated: 2021-09-17. Review status: criteria provided, single submitter. Criteria: Invitae Variant Classification Sherloc (09022015). Collection method: clinical testing. Allele origin: germline.
Comment: This sequence change replaces valine with isoleucine at codon 304 of the PCSK1 protein (p.Val304Ile). The valine residue is highly conserved and there is a small physicochemical difference between valine and isoleucine. This variant is present in population databases (rs148617898, ExAC 0.1%). This variant has not been reported in the literature in individuals affected with PCSK1-related conditions. Algorithms developed to predict the effect of missense changes on protein structure and function (SIFT, PolyPhen-2, Align-GVGD) all suggest that this variant is likely to be disruptive. In summary, the available evidence is currently insufficient to determine the role of this variant in disease. Therefore, it has been classified as a Variant of Uncertain Significance.

NM_000439.5(PCSK1):c.910G>A (p.Val304Ile)

Genes: CAST (calpastatin; plus strand), PCSK1 (proprotein convertase subtilisin/kexin type 1; minus strand), LOC101929710 (uncharacterized LOC101929710; plus strand). Cytogenetic location: 5q15.
Variant type: single nucleotide variant.
Coding change: c.910G>A on transcript NM_000439.5 (MANE Select); coding-DNA position 910, G replaced by A.
Protein change: p.Val304Ile; replaces valine 304 with isoleucine.
Molecular consequence: missense variant.
Genome position (GRCh38, 1-based): chr5:96,410,959, C>T on the plus strand (G>A on the coding strand, the complement: PCSK1 is on the minus strand). VCF-style: chr5-96410959-C-T. GRCh37 (hg19) VCF-style: chr5-95746663-C-T.
Other names: c.910G>A (NM_000439.4); c.769G>A, p.Val257Ile (NM_001177875.2); short protein forms V257I, V304I.
Identifiers: ClinVar variation 2051080 (VCV002051080.6), dbSNP rs148617898, ClinGen allele CA3350343.